The following is an entry in ClinVar:

NM_000057.4(BLM):c.1682T>A (p.Phe561Tyr)

Gene: BLM (BLM RecQ like helicase; plus strand). Cytogenetic location: 15q26.1.
Variant type: single nucleotide variant.
Coding change: c.1682T>A on transcript NM_000057.4 (MANE Select); coding-DNA position 1682, T replaced by A.
Protein change: p.Phe561Tyr; replaces phenylalanine 561 with tyrosine.
Molecular consequence: missense variant.
Genome position (GRCh38, 1-based): chr15:90,761,055, T>A. VCF-style: chr15-90761055-T-A. GRCh37 (hg19) VCF-style: chr15-91304285-T-A.
Other names: c.1682T>A, p.Phe561Tyr (NM_001287246.2, NM_001287247.2); c.557T>A, p.Phe186Tyr (NM_001287248.2); short protein forms F186Y, F561Y.
Identifiers: ClinVar variation 1777941 (VCV001777941.2), dbSNP rs2505428038, ClinGen allele CA393843604.
Genomic context (GRCh38, chr15:90,761,055, plus strand): 5'-ATGACTTAGAAAGAGAAACCCAACCTTCCTATGATATTGATAATTTTGACATAGATGACT[T>A]TGATGATGATGATGACTGGGAAGACATAATGCATAATTTAGCAGCCAGCAAATCTTCCAC-3'
Protein context (NP_000048.1, residues 551-571): YDIDNFDIDD[Phe561Tyr]DDDDDWEDIM

ClinVar aggregate classification (germline): Uncertain significance (1 of 4 stars; one submission).

Conditions:
Hereditary cancer-predisposing syndrome. Also called: Neoplastic Syndromes, Hereditary; Tumor predisposition; Hereditary Cancer Syndrome; Hereditary neoplastic syndrome. Identifiers: Orphanet 140162, MedGen C0027672, MeSH D009386, MONDO:0015356.

Submission:

Ambry Genetics
Classification: Uncertain significance for Hereditary cancer-predisposing syndrome. Last evaluated: 2021-12-29. Review status: criteria provided, single submitter. Criteria: Ambry Variant Classification Scheme 2023. Collection method: clinical testing. Allele origin: germline.
Comment: The p.F561Y variant (also known as c.1682T>A), located in coding exon 6 of the BLM gene, results from a T to A substitution at nucleotide position 1682. The phenylalanine at codon 561 is replaced by tyrosine, an amino acid with highly similar properties. This amino acid position is conserved. In addition, this alteration is predicted to be tolerated by in silico analysis. Since supporting evidence is limited at this time, the clinical significance of this alteration remains unclear.